The following is an entry in ClinVar:

ClinVar aggregate classification (germline): Pathogenic (1 of 4 stars; one submission).

Conditions:
Inborn genetic diseases. Identifiers: MedGen C0950123, MeSH D030342.

Allele frequency attached by ClinVar (database versions not stated): gnomAD exomes below 0.00001.
gnomAD v4.1: 1 of 1,612,946 alleles (0.000062%); highest among the groups gnomAD compares: Non-Finnish European, 0.000085%; no homozygotes.

Submission:

Ambry Genetics
Classification: Pathogenic for Inborn genetic diseases. Last evaluated: 2022-05-26. Review status: criteria provided, single submitter. Criteria: Ambry Variant Classification Scheme 2023. Collection method: clinical testing. Allele origin: germline.
Comment: The c.382C>T (p.Q128*) alteration, located in exon 2 (coding exon 2) of the DBH gene, consists of a C to T substitution at nucleotide position 382. This changes the amino acid from a glutamine (Q) to a stop codon at amino acid position 128. This alteration is expected to result in loss of function by premature protein truncation or nonsense-mediated mRNA decay. This allele was reported in one heterozygous individual in population-based cohorts in the Genome Aggregation Database (gnomAD). Based on the available evidence, this alteration is classified as pathogenic.

NM_000787.4(DBH):c.382C>T (p.Gln128Ter)

Gene: DBH (dopamine beta-hydroxylase; plus strand). Cytogenetic location: 9q34.2.
Variant type: single nucleotide variant.
Coding change: c.382C>T on transcript NM_000787.4 (MANE Select); coding-DNA position 382, C replaced by T.
Protein change: p.Gln128Ter; replaces glutamine 128 with a stop codon.
Molecular consequence: nonsense.
Genome position (GRCh38, 1-based): chr9:133,639,888, C>T. VCF-style: chr9-133639888-C-T. GRCh37 (hg19) VCF-style: chr9-136505010-C-T.
Other names: short protein forms Q128*.
Identifiers: ClinVar variation 2285225 (VCV002285225.2), dbSNP rs1268865720, ClinGen allele CA375409396.